The following is an entry in ClinVar:

ClinVar aggregate classification (germline): Likely benign (1 of 4 stars; one submission).

gnomAD v4.1: 7 of 1,613,932 alleles (0.00043%); highest among the groups gnomAD compares: East Asian, 0.0022%; no homozygotes.

Submission:

CeGaT Center for Human Genetics Tuebingen
Classification: Likely benign. Last evaluated: 2026-05-01. Review status: criteria provided, single submitter. Criteria: CeGaT Center For Human Genetics Tuebingen Variant Classification Criteria Version 2. Collection method: clinical testing. Allele origin: germline. Affected: yes. Observed: 1 variant allele.
Comment: CUBN: BP4, BP7

NM_001081.4(CUBN):c.7506T>C (p.His2502=)

Gene: CUBN (cubilin; minus strand). Cytogenetic location: 10p13.
Variant type: single nucleotide variant.
Coding change: c.7506T>C on transcript NM_001081.4 (MANE Select); coding-DNA position 7506, T replaced by C.
Protein change: p.His2502=; no amino-acid change (histidine 2502 retained).
Molecular consequence: synonymous variant.
Genome position (GRCh38, 1-based): chr10:16,913,838, A>G on the plus strand (T>C on the coding strand, the complement: CUBN is on the minus strand). VCF-style: chr10-16913838-A-G. GRCh37 (hg19) VCF-style: chr10-16955837-A-G.
Identifiers: ClinVar variation 4874964 (VCV004874964.2).
Genomic context (GRCh38, chr10:16,913,838, plus strand): 5'-AATATAACATCTCAGGCGGCAGGGAACACTTACTATCACATGCTCATTGTTGCAGGACGG[A>G]TGCGTGGCCAGCCTCAGGTTGTTAAACATTAGGGTGATCCGCCTTCCCTCCGGGGCAGTG-3'
Protein context (NP_001072.2, residues 2492-2512): LMFNNLRLAT[His2502=]PSCNNEHVIV